The following is an entry in ClinVar:

NM_000218.3(KCNQ1):c.770T>G (p.Ile257Ser)

Gene: KCNQ1 (potassium voltage-gated channel subfamily Q member 1; plus strand). Cytogenetic location: 11p15.5.
Variant type: single nucleotide variant.
Coding change: c.770T>G on transcript NM_000218.3 (MANE Select); coding-DNA position 770, T replaced by G.
Protein change: p.Ile257Ser; replaces isoleucine 257 with serine.
Molecular consequence: missense variant.
Genome position (GRCh38, 1-based): chr11:2,572,099, T>G. VCF-style: chr11-2572099-T-G. GRCh37 (hg19) VCF-style: chr11-2593329-T-G.
Other names: c.770T>G, p.Ile257Ser (NM_001406836.1); c.500T>G, p.Ile167Ser (NM_001406837.1); c.389T>G, p.Ile130Ser (NM_181798.2); short protein forms I257S, I130S, I167S.
Identifiers: ClinVar variation 1491804 (VCV001491804.7), dbSNP rs2133730726, ClinGen allele CA379131083.

ClinVar aggregate classification (germline): Uncertain significance (1 of 4 stars; one submission).

Conditions:
Long QT syndrome (LQTS). Identifiers: MedGen C0023976, MeSH D008133, MONDO:0002442. Disease mechanism: loss of function. Inheritance: Various modes of inheritance.

Submission:

Labcorp Genetics (formerly Invitae), Labcorp
Classification: Uncertain significance for Long QT syndrome. Last evaluated: 2021-09-20. Review status: criteria provided, single submitter. Criteria: Invitae Variant Classification Sherloc (09022015). Collection method: clinical testing. Allele origin: germline.
Comment: In summary, the available evidence is currently insufficient to determine the role of this variant in disease. Therefore, it has been classified as a Variant of Uncertain Significance. Algorithms developed to predict the effect of sequence changes on RNA splicing suggest that this variant may create or strengthen a splice site. Algorithms developed to predict the effect of missense changes on protein structure and function (SIFT, PolyPhen-2, Align-GVGD) all suggest that this variant is likely to be disruptive. This variant has not been reported in the literature in individuals affected with KCNQ1-related conditions. This variant is not present in population databases (ExAC no frequency). This sequence change replaces isoleucine with serine at codon 257 of the KCNQ1 protein (p.Ile257Ser). The isoleucine residue is highly conserved and there is a large physicochemical difference between isoleucine and serine.